The following is an entry in ClinVar:

ClinVar aggregate classification (germline): Uncertain significance. Review status: criteria provided, multiple submitters, no conflicts (2 of 4 stars). 3 submissions from 3 submitters: Uncertain significance (3). Last evaluated 2024-08-26.

Conditions:
Microcephalic primordial dwarfism due to RTTN deficiency (MSSP). Also called: MICROCEPHALY, SHORT STATURE, AND POLYMICROGYRIA; Microcephaly, short stature, and polymicrogyria with or without seizures. Identifiers: Orphanet 468631, MedGen C3553831, MONDO:0018764, OMIM 614833.

Allele frequency attached by ClinVar (database versions not stated): gnomAD 0.00004 and 0.00006; TOPMed 0.00004; ExAC 0.00007; ESP Exome Variant Server 0.00008; gnomAD exomes 0.00008.
gnomAD v4.1: 170 of 1,612,582 alleles (0.011%); highest among the groups gnomAD compares: Non-Finnish European, 0.014%; no homozygotes.

Submissions (3):

Blueprint Genetics
Classification: Uncertain significance. Last evaluated: 2024-08-26. Review status: criteria provided, single submitter. Criteria: ACMG Guidelines, 2015. Collection method: clinical testing. Allele origin: germline.

Labcorp Genetics (formerly Invitae), Labcorp
Classification: Uncertain significance. Last evaluated: 2022-07-25. Review status: criteria provided, single submitter. Criteria: Invitae Variant Classification Sherloc (09022015). Collection method: clinical testing. Allele origin: germline.
Comment: This sequence change replaces lysine, which is basic and polar, with threonine, which is neutral and polar, at codon 1725 of the RTTN protein (p.Lys1725Thr). This variant is present in population databases (rs200883952, gnomAD 0.02%). This missense change has been observed in individual(s) with RTTN-related conditions (PMID: 25326635). ClinVar contains an entry for this variant (Variation ID: 561099). Algorithms developed to predict the effect of missense changes on protein structure and function are either unavailable or do not agree on the potential impact of this missense change (SIFT: "Deleterious"; PolyPhen-2: "Benign"; Align-GVGD: "Class C0"). Algorithms developed to predict the effect of sequence changes on RNA splicing suggest that this variant may create or strengthen a splice site. In summary, the available evidence is currently insufficient to determine the role of this variant in disease. Therefore, it has been classified as a Variant of Uncertain Significance.

Baylor Genetics
Classification: Uncertain significance for Microcephalic primordial dwarfism due to RTTN deficiency. Last evaluated: 2017-09-01. Review status: criteria provided, single submitter. Criteria: ACMG Guidelines, 2015. Collection method: clinical testing. Allele origin: maternal. Inheritance: Autosomal recessive inheritance. Affected: yes.

Literature cited by the submitters: PubMed 25326635 (cited by Labcorp Genetics (formerly Invitae), Labcorp and Baylor Genetics).

NM_173630.4(RTTN):c.5174A>C (p.Lys1725Thr)

Gene: RTTN (rotatin; minus strand). Cytogenetic location: 18q22.2.
Variant type: single nucleotide variant.
Coding change: c.5174A>C on transcript NM_173630.4 (MANE Select); coding-DNA position 5174, A replaced by C.
Protein change: p.Lys1725Thr; replaces lysine 1725 with threonine.
Molecular consequence: missense variant.
Genome position (GRCh38, 1-based): chr18:70,054,142, T>G on the plus strand (A>C on the coding strand, the complement: RTTN is on the minus strand). VCF-style: chr18-70054142-T-G. GRCh37 (hg19) VCF-style: chr18-67721378-T-G.
Other names: c.2438A>C, p.Lys813Thr (NM_001318520.2); short protein forms K1725T, K813T.
Identifiers: ClinVar variation 561099 (VCV000561099.7), dbSNP rs200883952, ClinGen allele CA8995032.